The following is an entry in ClinVar:

NM_004260.4(RECQL4):c.3292A>G (p.Thr1098Ala)

Gene: RECQL4 (RecQ like helicase 4; minus strand). Cytogenetic location: 8q24.3.
Variant type: single nucleotide variant.
Coding change: c.3292A>G on transcript NM_004260.4 (MANE Select); coding-DNA position 3292, A replaced by G.
Protein change: p.Thr1098Ala; replaces threonine 1098 with alanine.
Molecular consequence: missense variant.
Genome position (GRCh38, 1-based): chr8:144,512,012, T>C on the plus strand (A>G on the coding strand, the complement: RECQL4 is on the minus strand). VCF-style: chr8-144512012-T-C. GRCh37 (hg19) VCF-style: chr8-145737395-T-C.
Other names: short protein forms T1098A.
Identifiers: ClinVar variation 1363330 (VCV001363330.6), dbSNP rs2130655429, ClinGen allele CA372668927.

ClinVar aggregate classification (germline): Uncertain significance (1 of 4 stars; one submission).

Conditions:
Baller-Gerold syndrome (BGS). Also called: CRANIOSYNOSTOSIS WITH RADIAL DEFECTS. Identifiers: Orphanet 1225, MedGen C0265308, MONDO:0009039, OMIM 218600.

Submission:

Labcorp Genetics (formerly Invitae), Labcorp
Classification: Uncertain significance for Baller-Gerold syndrome. Last evaluated: 2024-08-05. Review status: criteria provided, single submitter. Criteria: Invitae Variant Classification Sherloc (09022015). Collection method: clinical testing. Allele origin: germline.
Comment: This sequence change replaces threonine, which is neutral and polar, with alanine, which is neutral and non-polar, at codon 1098 of the RECQL4 protein (p.Thr1098Ala). This variant is not present in population databases (gnomAD no frequency). This variant has not been reported in the literature in individuals affected with RECQL4-related conditions. ClinVar contains an entry for this variant (Variation ID: 1363330). Advanced modeling of protein sequence and biophysical properties (such as structural, functional, and spatial information, amino acid conservation, physicochemical variation, residue mobility, and thermodynamic stability) performed at Invitae indicates that this missense variant is not expected to disrupt RECQL4 protein function with a negative predictive value of 80%. In summary, the available evidence is currently insufficient to determine the role of this variant in disease. Therefore, it has been classified as a Variant of Uncertain Significance.